The following is an entry in ClinVar:

NM_004168.4(SDHA):c.526C>G (p.Gln176Glu)

Gene: SDHA (succinate dehydrogenase complex flavoprotein subunit A; plus strand). Cytogenetic location: 5p15.33.
Variant type: single nucleotide variant.
Coding change: c.526C>G on transcript NM_004168.4 (MANE Select); coding-DNA position 526, C replaced by G.
Protein change: p.Gln176Glu; replaces glutamine 176 with glutamic acid.
Molecular consequence: missense variant.
Genome position (GRCh38, 1-based): chr5:225,952, C>G. VCF-style: chr5-225952-C-G. GRCh37 (hg19) VCF-style: chr5-226067-C-G.
Other names: c.382C>G, p.Gln128Glu (NM_001294332.2); c.526C>G, p.Gln176Glu (NM_001330758.2); short protein forms Q176E, Q128E.
Identifiers: ClinVar variation 4794123 (VCV004794123.1).

ClinVar aggregate classification (germline): Uncertain significance (1 of 4 stars; one submission).

Conditions:
Mitochondrial complex II deficiency, nuclear type 1. Also called: SUCCINATE CoQ REDUCTASE DEFICIENCY. Identifiers: Orphanet 3208, MedGen C5700310, MONDO:0100294, OMIM 252011.
Pheochromocytoma/paraganglioma syndrome 5. Also called: Paragangliomas 5; SDHA-Related Hereditary Paraganglioma-Pheochromocytoma Syndrome. Identifiers: Orphanet 29072, MedGen C3279992, MONDO:0013602, OMIM 614165.

Submission:

Labcorp Genetics (formerly Invitae), Labcorp
Classification: Uncertain significance for Pheochromocytoma/paraganglioma syndrome 5; Mitochondrial complex II deficiency, nuclear type 1. Last evaluated: 2025-10-08. Review status: criteria provided, single submitter. Criteria: Invitae Variant Classification Sherloc (09022015). Collection method: clinical testing. Allele origin: germline.
Comment: This sequence change replaces glutamine, which is neutral and polar, with glutamic acid, which is acidic and polar, at codon 176 of the SDHA protein (p.Gln176Glu). This variant is not present in population databases (gnomAD no frequency). This variant has not been reported in the literature in individuals affected with SDHA-related conditions. Invitae Evidence Modeling of protein sequence and biophysical properties (such as structural, functional, and spatial information, amino acid conservation, physicochemical variation, residue mobility, and thermodynamic stability) indicates that this missense variant is not expected to disrupt SDHA protein function with a negative predictive value of 95%. In summary, the available evidence is currently insufficient to determine the role of this variant in disease. Therefore, it has been classified as a Variant of Uncertain Significance.